The following is an entry in ClinVar:

ClinVar aggregate classification (germline): Uncertain significance. Review status: criteria provided, multiple submitters, no conflicts (2 of 4 stars). 2 submissions from 2 submitters: Uncertain significance (2). Last evaluated 2023-12-22.

gnomAD v4.1: 24 of 1,613,978 alleles (0.0015%); highest among the groups gnomAD compares: Non-Finnish European, 0.0019%; no homozygotes.

Submissions (2):

Blueprint Genetics
Classification: Uncertain significance. Last evaluated: 2023-12-22. Review status: criteria provided, single submitter. Criteria: ACMG Guidelines, 2015. Collection method: clinical testing. Allele origin: germline.

Labcorp Genetics (formerly Invitae), Labcorp
Classification: Uncertain significance. Last evaluated: 2022-10-19. Review status: criteria provided, single submitter. Criteria: Invitae Variant Classification Sherloc (09022015). Collection method: clinical testing. Allele origin: germline.
Comment: Algorithms developed to predict the effect of missense changes on protein structure and function output the following: SIFT: "Tolerated"; PolyPhen-2: "Benign"; Align-GVGD: "Class C0". The leucine amino acid residue is found in multiple mammalian species, which suggests that this missense change does not adversely affect protein function. ClinVar contains an entry for this variant (Variation ID: 1061088). This missense change has been observed in individual(s) with clinical features of VCAN-related conditions (Invitae). This variant is present in population databases (rs528022086, gnomAD 0.003%). This sequence change replaces arginine, which is basic and polar, with leucine, which is neutral and non-polar, at codon 3092 of the VCAN protein (p.Arg3092Leu). In summary, the available evidence is currently insufficient to determine the role of this variant in disease. Therefore, it has been classified as a Variant of Uncertain Significance.

NM_004385.5(VCAN):c.9275G>T (p.Arg3092Leu)

Genes: VCAN (versican; plus strand), VCAN-AS1 (VCAN antisense RNA 1; minus strand). Cytogenetic location: 5q14.3.
Variant type: single nucleotide variant.
Coding change: c.9275G>T on transcript NM_004385.5 (MANE Select); coding-DNA position 9275, G replaced by T.
Protein change: p.Arg3092Leu; replaces arginine 3092 with leucine.
Molecular consequence: missense variant.
Genome position (GRCh38, 1-based): chr5:83,545,546, G>T. VCF-style: chr5-83545546-G-T. GRCh37 (hg19) VCF-style: chr5-82841365-G-T.
Other names: c.1052G>T, p.Arg351Leu (NM_001126336.3); c.6314G>T, p.Arg2105Leu (NM_001164097.2); c.4013G>T, p.Arg1338Leu (NM_001164098.2); short protein forms R1338L, R2105L, R3092L, R351L.
Identifiers: ClinVar variation 1061088 (VCV001061088.10), dbSNP rs528022086, ClinGen allele CA3333958.